The following is an entry in ClinVar:

ClinVar aggregate classification (germline): Likely benign. Review status: criteria provided, multiple submitters, no conflicts (2 of 4 stars). 4 submissions from 4 submitters: Likely benign (4). Last evaluated 2026-06-22.

Conditions:
Retinoblastoma (RB1). Also called: RETINOBLASTOMA, SOMATIC. Identifiers: Orphanet 790, MedGen C0035335, MeSH D012175, MONDO:0008380, OMIM 180200, HP:0009919. Disease mechanism: loss of function. Inheritance: Both sporadic and heritable forms are tested..

Allele frequency attached by ClinVar (database versions not stated): gnomAD exomes 0.00001; gnomAD 0.00003 and 0.00004; ExAC 0.00001; TOPMed 0.00003.
gnomAD v4.1: 16 of 1,611,538 alleles (0.00099%); highest among the groups gnomAD compares: African/African-American, 0.0053%; no homozygotes.

Submissions (4):

Myriad Genetics, Inc.
Classification: Likely benign for Retinoblastoma. Last evaluated: 2026-06-22. Review status: criteria provided, single submitter. Criteria: Myriad Autosomal Dominant, Autosomal Recessive and X-Linked Classification Criteria (2023). Collection method: clinical testing. Allele origin: unknown.
Comment: This variant is considered likely benign. This variant is intronic and is not expected to impact mRNA splicing.

Labcorp Genetics (formerly Invitae), Labcorp
Classification: Likely benign for Retinoblastoma. Last evaluated: 2025-11-18. Review status: criteria provided, single submitter. Criteria: Invitae Variant Classification Sherloc (09022015). Collection method: clinical testing. Allele origin: germline.

All of Us Research Program, National Institutes of Health
Classification: Likely benign for Retinoblastoma. Last evaluated: 2023-12-13. Review status: criteria provided, single submitter. Criteria: ACMG Guidelines, 2015. Collection method: clinical testing. Allele origin: germline. Inheritance: Autosomal dominant inheritance. Observed: 1 variant allele, 1 heterozygote.
Comment: This study involves interpretation of variants in research participants for the purpose of population health screening. Participant phenotype was not available at the time of variant classification. Additional details can be found in publication PMID: 35346344, PMCID: PMC8962531

Color Diagnostics, LLC DBA Color Health
Classification: Likely benign for Retinoblastoma. Last evaluated: 2022-04-29. Review status: criteria provided, single submitter. Criteria: ACMG Guidelines, 2015. Collection method: clinical testing. Allele origin: germline.

NM_000321.3(RB1):c.1696-13A>G

Gene: RB1 (RB transcriptional corepressor 1; plus strand). Cytogenetic location: 13q14.2.
Variant type: single nucleotide variant.
Coding change: c.1696-13A>G on transcript NM_000321.3 (MANE Select); 13 bases into the intron before coding-DNA position 1696, A replaced by G.
Molecular consequence: intron variant.
Genome position (GRCh38, 1-based): chr13:48,452,980, A>G. VCF-style: chr13-48452980-A-G. GRCh37 (hg19) VCF-style: chr13-49027116-A-G.
Identifiers: ClinVar variation 1456228 (VCV001456228.10), dbSNP rs759198467, ClinGen allele CA032255.